The following is an entry in ClinVar:

NM_018006.5(TRMU):c.469G>A (p.Val157Ile)

Gene: TRMU (tRNA mitochondrial 2-thiouridylase; plus strand). Cytogenetic location: 22q13.31.
Variant type: single nucleotide variant.
Coding change: c.469G>A on transcript NM_018006.5 (MANE Select); coding-DNA position 469, G replaced by A.
Protein change: p.Val157Ile; replaces valine 157 with isoleucine.
Molecular consequence: missense variant. On other transcripts: synonymous variant (2), non-coding transcript variant (2).
Genome position (GRCh38, 1-based): chr22:46,346,535, G>A. VCF-style: chr22-46346535-G-A. GRCh37 (hg19) VCF-style: chr22-46742432-G-A.
Other names: p.V157I:GTT>ATT; c.127G>A, p.Val43Ile (NM_001282782.2); c.108G>A, p.Lys36= (NM_001282783.2, NM_001282784.2); c.469G>A, p.Val157Ile (NM_001282785.2); short protein forms V157I, V43I.
Identifiers: ClinVar variation 215279 (VCV000215279.7), dbSNP rs201755743, ClinGen allele CA320221.

ClinVar aggregate classification (germline): Uncertain significance. Review status: criteria provided, multiple submitters, no conflicts (2 of 4 stars). 3 submissions from 3 submitters: Uncertain significance (3). Last evaluated 2025-09-15.

Conditions:
TRMU-related disorder. Also called: TRMU-related condition.
Acute infantile liver failure due to synthesis defect of mtDNA-encoded proteins. Also called: TRMU Deficiency; LIVER FAILURE, INFANTILE, TRANSIENT; Liver failure acute infantile. Identifiers: Orphanet 217371, MedGen C3278664, MONDO:0013111, OMIM 613070.

Allele frequency attached by ClinVar (database versions not stated): gnomAD exomes 0.00002 and 0.00003; ExAC 0.00003; gnomAD 0.00003 and 0.00004; TOPMed 0.00003.
gnomAD v4.1: 31 of 1,610,972 alleles (0.0019%); highest among the groups gnomAD compares: Non-Finnish European, 0.00025%; no homozygotes.

Submissions (3):

PreventionGenetics, part of Exact Sciences
Classification: Uncertain significance for TRMU-related condition. Last evaluated: 2025-09-15. Review status: criteria provided, single submitter. Criteria: ACMG Guidelines, 2015. Collection method: clinical testing. Allele origin: germline.
Comment: The TRMU c.469G>A variant is predicted to result in the amino acid substitution p.Val157Ile. To our knowledge, this variant has not been reported in the literature. This variant is reported in 0.060% of alleles in individuals of Ashkenazi Jewish descent in gnomAD. Although we suspect that this variant may be benign, at this time, the clinical significance of this variant is uncertain due to the absence of conclusive functional and genetic evidence.

GeneDx
Classification: Uncertain significance. Last evaluated: 2025-02-28. Review status: criteria provided, single submitter. Criteria: GeneDx Variant Classification Process June 2021. Collection method: clinical testing. Allele origin: germline. Affected: yes.
Comment: See Variant Classification Assertion Criteria.

Illumina Laboratory Services, Illumina
Classification: Uncertain significance for Acute infantile liver failure due to synthesis defect of mtDNA-encoded proteins. Last evaluated: 2017-04-27. Review status: criteria provided, single submitter. Criteria: ICSL Variant Classification Criteria 13 December 2019. Collection method: clinical testing. Allele origin: germline.